The following is an entry in ClinVar:

NC_000020.10:g.(?_62103511)_(62120515_?)del

Genes: EEF1A2 (eukaryotic translation elongation factor 1 alpha 2; minus strand), KCNQ2 (potassium voltage-gated channel subfamily Q member 2; minus strand). Cytogenetic location: 20q13.33.
Variant type: Deletion.
Identifiers: ClinVar variation 1064103 (VCV001064103.11).

ClinVar aggregate classification (germline): Conflicting classifications of pathogenicity. Review status: criteria provided, conflicting classifications (1 of 4 stars). 2 submissions from 1 submitter: Pathogenic (1); Uncertain significance (1). Last evaluated 2020-10-16.

Conditions:
Developmental and epileptic encephalopathy. Identifiers: MedGen C5779964, MONDO:0100620.
Developmental and epileptic encephalopathy, 33 (DEE33). Also called: Epileptic encephalopathy, early infantile, 33. Identifiers: Orphanet 442835, MedGen C4225337, MONDO:0014625, OMIM 616409.

Submissions (2):

Labcorp Genetics (formerly Invitae), Labcorp
Classification: Uncertain significance for Developmental and epileptic encephalopathy, 33. Last evaluated: 2020-10-16. Review status: criteria provided, single submitter. Criteria: Invitae Variant Classification Sherloc (09022015). Collection method: clinical testing. Allele origin: germline.
Comment: In summary, the available evidence is currently insufficient to determine the role of this variant in disease. Therefore, it has been classified as a Variant of Uncertain Significance. Experimental studies and prediction algorithms are not available or were not evaluated, and the functional significance of this variant is currently unknown. This variant has not been reported in the literature in individuals with EEF1A2-related conditions. This variant is a gross deletion of the genomic region encompassing exon(s) 7-8 of the EEF1A2 gene. The 5' boundary is likely confined to intron 6. The 3' end of this event is unknown as it extends through the termination codon beyond the assayed region for this gene and may encompass additional genes. While this deletion is not anticipated to lead to nonsense mediated decay, it is expected to alter mRNA translation or result in a truncated protein product.

Labcorp Genetics (formerly Invitae), Labcorp
Classification: Pathogenic for Early-infantile DEE. Last evaluated: 2020-10-16. Review status: criteria provided, single submitter. Criteria: Invitae Variant Classification Sherloc (09022015). Collection method: clinical testing. Allele origin: germline.
Comment: This variant is a gross deletion of the genomic region encompassing exons 1 of the KCNQ2 gene, which includes the initiator codon. The 5' end of this event is unknown as it extends beyond the assayed region for this gene and therefore may encompass additional genes. The 3' boundary is likely confined to intron 1 of the KCNQ2 gene. This is expected to result in an absent or disrupted protein product. This variant has been observed in a family affected with benign familial neonatal seizures (PMID: 23360469). Loss-of-function variants in KCNQ2 are known to be pathogenic (PMID: 14534157, 23692823, 25951140, 25959266, 26758118, 27779742). For these reasons, this variant has been classified as Pathogenic.

Literature cited by the submitters: PubMed 23360469; PubMed 14534157; PubMed 23692823; PubMed 25951140; PubMed 25959266; PubMed 26758118; PubMed 27779742.